The following is an entry in ClinVar:

NM_000093.5(COL5A1):c.3528+3A>G

Gene: COL5A1 (collagen type V alpha 1 chain; plus strand). Cytogenetic location: 9q34.3.
Variant type: single nucleotide variant.
Coding change: c.3528+3A>G on transcript NM_000093.5 (MANE Select); 3 bases into the intron after coding-DNA position 3528, A replaced by G.
Molecular consequence: intron variant.
Genome position (GRCh38, 1-based): chr9:134,810,311, A>G. VCF-style: chr9-134810311-A-G. GRCh37 (hg19) VCF-style: chr9-137702157-A-G.
Other names: c.3528+3A>G (NM_001278074.1).
Identifiers: ClinVar variation 3645864 (VCV003645864.2).

ClinVar aggregate classification (germline): Uncertain significance (1 of 4 stars; one submission).

Conditions:
Ehlers-Danlos syndrome, classic type, 1 (EDSCL1). Also called: EHLERS-DANLOS SYNDROME, GRAVIS TYPE; EHLERS-DANLOS SYNDROME, SEVERE CLASSIC TYPE; Ehlers-Danlos syndrome, type 1; Ehlers-Danlos Syndrome, Classic Type, COL5A1-Related; EDS I. Identifiers: MedGen C0268335, MONDO:0019567, OMIM 130000.

gnomAD v4.1: 2 of 1,614,056 alleles (0.00012%); highest among the groups gnomAD compares: Admixed American, 0.0017%; no homozygotes.

Submission:

Labcorp Genetics (formerly Invitae), Labcorp
Classification: Uncertain significance for Ehlers-Danlos syndrome, classic type, 1. Last evaluated: 2024-02-11. Review status: criteria provided, single submitter. Criteria: Invitae Variant Classification Sherloc (09022015). Collection method: clinical testing. Allele origin: germline.
Comment: This sequence change falls in intron 44 of the COL5A1 gene. It does not directly change the encoded amino acid sequence of the COL5A1 protein. It affects a nucleotide within the consensus splice site. This variant is present in population databases (rs759464654, gnomAD 0.0009%). This variant has not been reported in the literature in individuals affected with COL5A1-related conditions. Variants that disrupt the consensus splice site are a relatively common cause of aberrant splicing (PMID: 17576681, 9536098). Algorithms developed to predict the effect of sequence changes on RNA splicing suggest that this variant is not likely to affect RNA splicing. In summary, the available evidence is currently insufficient to determine the role of this variant in disease. Therefore, it has been classified as a Variant of Uncertain Significance.

Literature cited by the submitters: PubMed 17576681; PubMed 9536098.